The following is an entry in ClinVar:

ClinVar aggregate classification (germline): Uncertain significance (1 of 4 stars; one submission).

Conditions:
Combined immunodeficiency due to ZAP70 deficiency (IMD48). Also called: ZAP70 Deficiency; Immunodeficiency 48. Identifiers: Orphanet 911, MedGen C2931299, MONDO:0010023, OMIM 269840.

Submission:

Labcorp Genetics (formerly Invitae), Labcorp
Classification: Uncertain significance for Combined immunodeficiency due to ZAP70 deficiency. Last evaluated: 2023-12-07. Review status: criteria provided, single submitter. Criteria: Invitae Variant Classification Sherloc (09022015). Collection method: clinical testing. Allele origin: germline.
Comment: This sequence change replaces aspartic acid, which is acidic and polar, with valine, which is neutral and non-polar, at codon 230 of the ZAP70 protein (p.Asp230Val). This variant is not present in population databases (gnomAD no frequency). This variant has not been reported in the literature in individuals affected with ZAP70-related conditions. An algorithm developed to predict the effect of missense changes on protein structure and function (PolyPhen-2) suggests that this variant is likely to be disruptive. In summary, the available evidence is currently insufficient to determine the role of this variant in disease. Therefore, it has been classified as a Variant of Uncertain Significance.

NM_001079.4(ZAP70):c.689A>T (p.Asp230Val)

Gene: ZAP70 (zeta chain of T cell receptor associated protein kinase 70; plus strand). Cytogenetic location: 2q11.2.
Variant type: single nucleotide variant.
Coding change: c.689A>T on transcript NM_001079.4 (MANE Select); coding-DNA position 689, A replaced by T.
Protein change: p.Asp230Val; replaces aspartic acid 230 with valine.
Molecular consequence: missense variant.
Genome position (GRCh38, 1-based): chr2:97,733,008, A>T. VCF-style: chr2-97733008-A-T. GRCh37 (hg19) VCF-style: chr2-98349471-A-T.
Other names: c.689A>T, p.Asp230Val (NM_001378594.1); short protein forms D230V.
Identifiers: ClinVar variation 2757286 (VCV002757286.3), dbSNP rs2482739902, ClinGen allele CA347797914.